The following is an entry in ClinVar:

ClinVar aggregate classification (germline): Likely benign. Review status: criteria provided, multiple submitters, no conflicts (2 of 4 stars). 6 submissions from 6 submitters: Likely benign (3). 3 of the submissions do not count toward it. Last evaluated 2026-03-01.

Conditions:
Immunodeficiency. Identifiers: MedGen C0021051, MONDO:0021094, HP:0002721.
NFAT5-related disorder. Also called: NFAT5-related condition.

Allele frequency attached by ClinVar (database versions not stated): 1000 Genomes Project 30x 0.00016; 1000 Genomes Project 0.00020; TOPMed 0.00033; ExAC 0.00044; gnomAD exomes 0.00045 and 0.00049; ESP Exome Variant Server 0.00046; gnomAD 0.00047 and 0.00048.

Submissions (6):

CeGaT Center for Human Genetics Tuebingen
Classification: Likely benign. Last evaluated: 2026-03-01. Review status: criteria provided, single submitter. Criteria: CeGaT Center For Human Genetics Tuebingen Variant Classification Criteria Version 2. Collection method: clinical testing. Allele origin: germline. Affected: yes. Observed: 1 variant allele.
Comment: NFAT5: BP4

Labcorp Genetics (formerly Invitae), Labcorp
Classification: Likely benign for Immunodeficiency. Last evaluated: 2025-12-22. Review status: criteria provided, single submitter. Criteria: Invitae Variant Classification Sherloc (09022015). Collection method: clinical testing. Allele origin: germline.

Blueprint Genetics
Classification: Likely benign. Last evaluated: 2024-10-17. Review status: criteria provided, single submitter. Criteria: ACMG Guidelines, 2015. Collection method: clinical testing. Allele origin: germline.

PreventionGenetics, part of Exact Sciences
Classification: Likely benign for NFAT5-related condition. Last evaluated: 2019-04-08. Review status: no assertion criteria provided. Collection method: clinical testing. Allele origin: germline. Not counted in ClinVar's aggregate classification.
Comment: This variant is classified as likely benign based on ACMG/AMP sequence variant interpretation guidelines (Richards et al. 2015 PMID: 25741868, with internal and published modifications).

Clinical Genetics DNA and cytogenetics Diagnostics Lab, Erasmus MC, Erasmus Medical Center
Classification: Likely benign. Review status: no assertion criteria provided. Collection method: clinical testing. Allele origin: germline. Affected: yes. Study: VKGL Data-share Consensus. Not counted in ClinVar's aggregate classification.

Diagnostic Laboratory, Department of Genetics, University Medical Center Groningen
Classification: Likely benign. Review status: no assertion criteria provided. Collection method: clinical testing. Allele origin: germline. Affected: yes. Study: VKGL Data-share Consensus. Not counted in ClinVar's aggregate classification.

NM_138713.4(NFAT5):c.1005+4T>C

Gene: NFAT5 (nuclear factor of activated T cells 5; plus strand). Cytogenetic location: 16q22.1.
Variant type: single nucleotide variant.
Coding change: c.1005+4T>C on transcript NM_138713.4 (MANE Select); 4 bases into the intron after coding-DNA position 1005, T replaced by C.
Molecular consequence: intron variant.
Genome position (GRCh38, 1-based): chr16:69,653,432, T>C. VCF-style: chr16-69653432-T-C. GRCh37 (hg19) VCF-style: chr16-69687335-T-C.
Other names: c.723+4T>C (NM_138714.4, NM_173214.3, NM_173215.3); c.1005+4T>C (NM_001113178.3); c.951+4T>C (NM_006599.4); c.333+4T>C (NM_001367709.1).
Identifiers: ClinVar variation 742710 (VCV000742710.19), dbSNP rs201684496, ClinGen allele CA8135443.
Genomic context (GRCh38, chr16:69,653,432, plus strand): 5'-GAGGGCAGCCGTGGCTCAGTGAAAGATAGAACACAGCAAGGCTTTCCTACAGTAAAGGTA[T>C]TTACTTTATTTATCATTTGAATTTTAGTTAAAATGTAAAGGGGAATGAGAATATGTCCTG-3'